The following is an entry in ClinVar:

ClinVar aggregate classification (germline): Pathogenic (1 of 4 stars; one submission).

Conditions:
Hereditary breast ovarian cancer syndrome. Also called: Hereditary breast and ovarian cancer syndrome (HBOC); Hereditary breast and ovarian cancer; BRCA1- and BRCA2-Associated Hereditary Breast and Ovarian Cancer; Hereditary breast and ovarian cancer syndrome; Hereditary breast and/or ovarian cancer syndrome; Breast and ovarian cancer. Identifiers: Orphanet 145, MedGen C0677776, MeSH D061325, MONDO:0003582. Disease mechanism: loss of function.

Submission:

Labcorp Genetics (formerly Invitae), Labcorp
Classification: Pathogenic for Hereditary breast ovarian cancer syndrome. Last evaluated: 2024-09-14. Review status: criteria provided, single submitter. Criteria: Invitae Variant Classification Sherloc (09022015). Collection method: clinical testing. Allele origin: germline.
Comment: This sequence change creates a premature translational stop signal (p.Cys3287Valfs*26) in the BRCA2 gene. While this is not anticipated to result in nonsense mediated decay, it is expected to disrupt the last 132 amino acid(s) of the BRCA2 protein. This variant is not present in population databases (gnomAD no frequency). This variant has not been reported in the literature in individuals affected with BRCA2-related conditions. This variant disrupts a region of the BRCA2 protein in which other variant(s) (p.Tyr3308*) have been determined to be pathogenic (PMID: 17026620, 18593900, 18607349, 22711857). This suggests that this is a clinically significant region of the protein, and that variants that disrupt it are likely to be disease-causing. For these reasons, this variant has been classified as Pathogenic.

Literature cited by the submitters: PubMed 17026620; PubMed 18593900; PubMed 18607349; PubMed 22711857.

NM_000059.4(BRCA2):c.9859del (p.Cys3287fs)

Gene: BRCA2 (BRCA2 DNA repair associated; plus strand). Cytogenetic location: 13q13.1.
Variant type: Deletion.
Coding change: c.9859del on transcript NM_000059.4 (MANE Select); coding-DNA position 9859, one base deleted (T; older notation c.9859delT).
Protein change: p.Cys3287fs; shifts the reading frame from cysteine 3287.
Molecular consequence: frameshift variant. On other transcripts: non-coding transcript variant (1).
Genome position (GRCh38, 1-based): chr13:32,398,372, T deleted; the last of 3 consecutive T bases (chr13:32,398,370-32,398,372); deleting any one gives the same sequence. VCF-style (leftmost placement, unchanged base first): chr13-32398369-AT-A. GRCh37 (hg19) VCF-style: chr13-32972506-AT-A.
Other names: c.9808del, p.Cys3270fs (NM_001406720.1); c.4927del, p.Cys1643fs (NM_001406721.1); c.3442del, p.Cys1148fs (NM_001406722.1); c.9859del, p.Cys3287fs (NM_001432077.1); c.9763del, p.Cys3255fs (NM_001406719.1); short protein forms C3287fs, C1148fs, C1643fs, C3255fs, C3270fs.
Identifiers: ClinVar variation 3648205 (VCV003648205.2).